The following is an entry in ClinVar:

NM_005585.5(SMAD6):c.949del (p.Ser317fs)

Gene: SMAD6 (SMAD family member 6; plus strand). Cytogenetic location: 15q22.31.
Variant type: Deletion.
Coding change: c.949del on transcript NM_005585.5 (MANE Select); coding-DNA position 949, one base deleted (T; older notation c.949delT).
Protein change: p.Ser317fs; shifts the reading frame from serine 317.
Molecular consequence: frameshift variant. On other transcripts: non-coding transcript variant (1).
Genome position (GRCh38, 1-based): chr15:66,716,495, T deleted. VCF-style (leftmost placement, unchanged base first): chr15-66716494-CT-C. GRCh37 (hg19) VCF-style: chr15-67008832-CT-C.
Other names: short protein forms S317fs.
Identifiers: ClinVar variation 4813480 (VCV004813480.1).

ClinVar aggregate classification (germline): Uncertain significance (1 of 4 stars; one submission).

Conditions:
Aortic valve disease 2 (AOVD2). Identifiers: MedGen C3542024, MONDO:0013902, OMIM 614823.

Submission:

MVZ Praenatalmedizin und Genetik Nuernberg
Classification: Uncertain significance for Aortic valve disease 2. Last evaluated: 2024-04-22. Review status: criteria provided, single submitter. Criteria: ACMG Guidelines, 2015. Collection method: clinical testing. Allele origin: de novo.
Comment: The variant leads to a reading frame shift and thus to an altered protein sequence (p.(Ser317Glnfs*222)). Due to its location, no degradation of the mRNA by nonsense-mediated decay (NMD) is likely to occur. The mutated expressed protein would comprise 537 amino acids and would thus be 41 amino acids longer than the wild-type protein (496 amino acids). Overall, 36% of the protein sequence would be altered, with the functionally significant MH2 protein domain being completely deleted or replaced by an alternative sequence. The actual effect of the change at protein level cannot be predicted with certainty. The change has not yet been annoted in gnomAD or ClinVar. A stop mutation at the same amino acid position (c.950C>G|p.Ser317Ter), which presumably leads to a truncated protein (thereby also eliminating the MH2 domain), has been classified once as likely pathogenic in ClinVar. According to the literature, loss-of-function (LoF) is the most likely pathomechanism (PMID: 36414630, 30796334), even though the observed number of LoF variants in the general population exceeds the expected number (pLI=0; PMID:32499606). In summary, based on the current data, we assess this variant as having unclear clinical significance but with pathogenic tendency.

Literature cited by the submitters: PubMed 36414630; PubMed 30796334; PubMed 32499606.